The following is an entry in ClinVar:

NM_024422.6(DSC2):c.1627G>A (p.Gly543Ser)

Gene: DSC2 (desmocollin 2; minus strand). Cytogenetic location: 18q12.1.
Variant type: single nucleotide variant.
Coding change: c.1627G>A on transcript NM_024422.6 (MANE Select); coding-DNA position 1627, G replaced by A.
Protein change: p.Gly543Ser; replaces glycine 543 with serine.
Molecular consequence: missense variant.
Genome position (GRCh38, 1-based): chr18:31,079,883, C>T on the plus strand (G>A on the coding strand, the complement: DSC2 is on the minus strand). VCF-style: chr18-31079883-C-T. GRCh37 (hg19) VCF-style: chr18-28659849-C-T.
Other names: c.1627G>A, p.Gly543Ser (NM_004949.5); short protein forms G543S.
Identifiers: ClinVar variation 639675 (VCV000639675.16), dbSNP rs1418248949, ClinGen allele CA402107824.

ClinVar aggregate classification (germline): Uncertain significance. Review status: criteria provided, multiple submitters, no conflicts (2 of 4 stars). 4 submissions from 4 submitters: Uncertain significance (4). Last evaluated 2026-03-12.

Conditions:
Cardiomyopathy (CMYO). Also called: Cardiomyopathies. Identifiers: Orphanet 167848, MedGen C0878544, MONDO:0004994, HP:0001638. Inheritance: Various modes of inheritance.
Arrhythmogenic right ventricular dysplasia 11. Also called: Arrhythmogenic right ventricular dysplasia 11 with mild palmoplantar keratoderma and woolly hair; Arrhythmogenic Right Ventricular Dysplasia/Cardiomyopathy11; ARRHYTHMOGENIC RIGHT VENTRICULAR DYSPLASIA, FAMILIAL, 11. Identifiers: MedGen C1864850, MONDO:0012506, OMIM 610476.
Familial isolated arrhythmogenic right ventricular dysplasia. Identifiers: Orphanet 217656, MedGen C4274968, MONDO:0016342.
Cardiovascular phenotype. Identifiers: MedGen CN230736.

Allele frequency attached by ClinVar (database versions not stated): gnomAD exomes below 0.00001; TOPMed below 0.00001; gnomAD 0.00001.
gnomAD v4.1: 2 of 1,613,820 alleles (0.00012%); highest among the groups gnomAD compares: Admixed American, 0.0033%; no homozygotes.

Submissions (4):

Ambry Genetics
Classification: Uncertain significance for Cardiovascular phenotype. Last evaluated: 2026-03-12. Review status: criteria provided, single submitter. Criteria: Ambry Variant Classification Scheme 2023. Collection method: clinical testing. Allele origin: germline.
Comment: The p.G543S variant (also known as c.1627G>A), located in coding exon 11 of the DSC2 gene, results from a G to A substitution at nucleotide position 1627. The glycine at codon 543 is replaced by serine, an amino acid with similar properties. This amino acid position is conserved. In addition, this alteration is predicted to be tolerated by in silico analysis. Based on the available evidence, the clinical significance of this variant remains unclear.

Labcorp Genetics (formerly Invitae), Labcorp
Classification: Uncertain significance for Arrhythmogenic right ventricular dysplasia 11. Last evaluated: 2026-01-19. Review status: criteria provided, single submitter. Criteria: Invitae Variant Classification Sherloc (09022015). Collection method: clinical testing. Allele origin: germline.
Comment: This sequence change replaces glycine, which is neutral and non-polar, with serine, which is neutral and polar, at codon 543 of the DSC2 protein (p.Gly543Ser). This variant is present in population databases (no rsID available, gnomAD 0.003%). This variant has not been reported in the literature in individuals affected with DSC2-related conditions. ClinVar contains an entry for this variant (Variation ID: 639675). Invitae Evidence Modeling of protein sequence and biophysical properties (such as structural, functional, and spatial information, amino acid conservation, physicochemical variation, residue mobility, and thermodynamic stability) indicates that this missense variant is not expected to disrupt DSC2 protein function with a negative predictive value of 80%. In summary, the available evidence is currently insufficient to determine the role of this variant in disease. Therefore, it has been classified as a Variant of Uncertain Significance.

Color Diagnostics, LLC DBA Color Health
Classification: Uncertain significance for Cardiomyopathy. Last evaluated: 2024-03-06. Review status: criteria provided, single submitter. Criteria: ACMG Guidelines, 2015. Collection method: clinical testing. Allele origin: germline.
Comment: This missense variant replaces glycine with serine at codon 543 of the DSC2 protein. Computational prediction suggests that this variant may not impact protein structure and function (internally defined REVEL score threshold <= 0.5, PMID: 27666373). To our knowledge, functional studies have not been reported for this variant. This variant has not been reported in individuals affected with cardiovascular disorders in the literature. This variant has been identified in 1/251180 chromosomes in the general population by the Genome Aggregation Database (gnomAD). The available evidence is insufficient to determine the role of this variant in disease conclusively. Therefore, this variant is classified as a Variant of Uncertain Significance.

All of Us Research Program, National Institutes of Health
Classification: Uncertain significance for Familial isolated arrhythmogenic right ventricular dysplasia. Last evaluated: 2023-06-28. Review status: criteria provided, single submitter. Criteria: ACMG Guidelines, 2015. Collection method: clinical testing. Allele origin: germline. Inheritance: Autosomal dominant inheritance. Observed: 2 variant alleles, 2 heterozygotes.
Comment: This missense variant replaces glycine with serine at codon 543 of the DSC2 protein. Computational prediction suggests that this variant may not impact protein structure and function (internally defined REVEL score threshold <= 0.5, PMID: 27666373). To our knowledge, functional studies have not been reported for this variant. This variant has not been reported in individuals affected with cardiovascular disorders in the literature. This variant has been identified in 1/251180 chromosomes in the general population by the Genome Aggregation Database (gnomAD). The available evidence is insufficient to determine the role of this variant in disease conclusively. Therefore, this variant is classified as a Variant of Uncertain Significance.

This study involves interpretation of variants in research participants for the purpose of population health screening. Participant phenotype was not available at the time of variant classification. Additional details can be found in publication PMID: 35346344, PMCID: PMC8962531